The following is an entry in ClinVar:

NM_014946.4(SPAST):c.1495C>A (p.Arg499Ser)

Gene: SPAST (spastin; plus strand). Cytogenetic location: 2p22.3.
Variant type: single nucleotide variant.
Coding change: c.1495C>A on transcript NM_014946.4 (MANE Select); coding-DNA position 1495, C replaced by A.
Protein change: p.Arg499Ser; replaces arginine 499 with serine.
Molecular consequence: missense variant.
Genome position (GRCh38, 1-based): chr2:32,141,905, C>A. VCF-style: chr2-32141905-C-A. GRCh37 (hg19) VCF-style: chr2-32366974-C-A.
Other names: c.1492C>A, p.Arg498Ser (NM_001363823.2); c.1396C>A, p.Arg466Ser (NM_001363875.2); c.1399C>A, p.Arg467Ser (NM_001377959.1, NM_199436.2); short protein forms R467S, R466S, R498S, R499S.
Identifiers: ClinVar variation 936915 (VCV000936915.8), dbSNP rs121908511, ClinGen allele CA346502822.

ClinVar aggregate classification (germline): Uncertain significance (1 of 4 stars; one submission).

Conditions:
Hereditary spastic paraplegia 4. Also called: Spastic Paraplegia 4; Spastic paraplegia 4, autosomal dominant; Familial spastic paraplegia autosomal dominant 2. Identifiers: Orphanet 100985, MedGen C1866855, MONDO:0008438, OMIM 182601.

Allele frequency attached by ClinVar (database versions not stated): gnomAD exomes below 0.00001.
gnomAD v4.1: 1 of 1,607,560 alleles (0.000062%); highest among the groups gnomAD compares: Non-Finnish European, 0.000085%; no homozygotes.

Submission:

Labcorp Genetics (formerly Invitae), Labcorp
Classification: Uncertain significance for Hereditary spastic paraplegia 4. Last evaluated: 2025-11-19. Review status: criteria provided, single submitter. Criteria: Invitae Variant Classification Sherloc (09022015). Collection method: clinical testing. Allele origin: germline.
Comment: This sequence change replaces arginine, which is basic and polar, with serine, which is neutral and polar, at codon 499 of the SPAST protein (p.Arg499Ser). This variant is not present in population databases (gnomAD no frequency). This missense change has been observed in individuals with clinical features of SPAST-related conditions (internal data). ClinVar contains an entry for this variant (Variation ID: 936915). An algorithm developed to predict the effect of missense changes on protein structure and function (PolyPhen-2) suggests that this variant is likely to be disruptive. This variant disrupts the p.Arg499 amino acid residue in SPAST. Other variant(s) that disrupt this residue have been determined to be pathogenic (PMID: 10610178, 16009769, 16055926, 16682546, 18701882, 20562464, 25045380). This suggests that this residue is clinically significant, and that variants that disrupt this residue are likely to be disease-causing. In summary, the available evidence is currently insufficient to determine the role of this variant in disease. Therefore, it has been classified as a Variant of Uncertain Significance.

Literature cited by the submitters: PubMed 10610178; PubMed 16009769; PubMed 16055926; PubMed 16682546; PubMed 18701882; PubMed 20562464; PubMed 25045380.